The following is an entry in ClinVar:

ClinVar aggregate classification (germline): Conflicting classifications of pathogenicity. Review status: criteria provided, conflicting classifications (1 of 4 stars). 6 submissions from 6 submitters: Pathogenic (1); Likely pathogenic (3); Uncertain significance (1). 1 of the submissions does not count toward it. Last evaluated 2026-07-17.

Conditions:
TRIM32-related disorder. Also called: TRIM32-related condition.
Autosomal recessive TRIM32-related disorders.
Bardet-Biedl syndrome (BBS). Identifiers: Orphanet 110, MedGen C0752166, MONDO:0015229.
Bardet-Biedl syndrome 11 (BBS11). Identifiers: Orphanet 110, MedGen C1859569, MONDO:0014439, OMIM 615988.

Allele frequency attached by ClinVar (database versions not stated): gnomAD 0.00001; gnomAD exomes 0.00001; TOPMed 0.00001.
gnomAD v4.1: 5 of 1,613,984 alleles (0.00031%); highest among the groups gnomAD compares: Admixed American, 0.0017%; no homozygotes.

Submissions (6):

PreventionGenetics, part of Exact Sciences
Classification: Likely pathogenic for TRIM32-related condition. Last evaluated: 2026-07-17. Review status: criteria provided, single submitter. Criteria: ACMG Guidelines, 2015. Collection method: clinical testing. Allele origin: germline.
Comment: The TRIM32 c.388C>T variant is predicted to result in the amino acid substitution p.Pro130Ser. This variant has been reported in the homozygous state in individuals with Bardet-Biedl syndrome and segregated with disease in one family (Chiang et al. 2006. PubMed ID: 16606853; Supplemental Table 2, Gorukmez et al. 2023. PubMed ID: 36964972). Experimental studies in zebrafish suggest this variant may impact protein function (Chiang et al. 2006. PubMed ID: 16606853; Zaghloul et al. 2010. PubMed ID: 20498079); however, in vitro experimental studies and studies in yeast show results similar to wild type (see, for example: Saccone et al. 2008. PubMed ID: 17994549; Locke et al. 2009. PubMed ID: 19349376; Liang et al. 2025. PubMed ID: 40038764). This variant is reported in 0.0028% of alleles in individuals of Latino descent in gnomAD. This variant is interpreted as likely pathogenic.

Labcorp Genetics (formerly Invitae), Labcorp
Classification: Pathogenic for Bardet-Biedl syndrome. Last evaluated: 2025-11-12. Review status: criteria provided, single submitter. Criteria: Invitae Variant Classification Sherloc (09022015). Collection method: clinical testing. Allele origin: germline.
Comment: This sequence change replaces proline, which is neutral and non-polar, with serine, which is neutral and polar, at codon 130 of the TRIM32 protein (p.Pro130Ser). This variant is present in population databases (rs111033571, gnomAD 0.002%). This missense change has been observed in individual(s) with Bardet–Biedl syndrome (PMID: 16606853). It has also been observed to segregate with disease in related individuals. ClinVar contains an entry for this variant (Variation ID: 7351). An algorithm developed to predict the effect of missense changes on protein structure and function (PolyPhen-2) suggests that this variant is likely to be tolerated. Experimental studies have shown that this missense change affects TRIM32 function (PMID: 16606853). For these reasons, this variant has been classified as Pathogenic.

Variantyx, Inc.
Classification: Likely pathogenic for Autosomal recessive TRIM32-related disorders. Last evaluated: 2025-07-16. Review status: criteria provided, single submitter. Criteria: Variantyx Assertion Criteria 2022. Collection method: clinical testing. Allele origin: germline. Inheritance: Autosomal recessive inheritance. Affected: no.
Comment: This is a nonsynonymous variant in the TRIM32 gene (OMIM: 602290). Pathogenic variants in this gene have been associated with autosomal recessive TRIM32-related disorders. This variant has been identified in the homozygous state at least in one individual reported in the published literature (PMID: 16606853) (PM3) and has been observed to segregate with disease at least in three individuals from one family (PMID: 16606853) (PP1). Functional studies have shown that this variant alters TRIM32 protein function (PMID: 20498079) (PS3), but multiple computational algorithms predict no functional impact for this variant (REVEL score: 0.268) (BP4). This variant has a 0.0017% maximum allele frequency in non-founder control populations (PM2). Based on the current evidence, this variant is classified as likely pathogenic for autosomal recessive TRIM32-related disorders.

Revvity Omics, Revvity
Classification: Likely pathogenic. Last evaluated: 2023-02-21. Review status: criteria provided, single submitter. Criteria: ACMG Guidelines, 2015. Collection method: clinical testing. Allele origin: germline.

Blueprint Genetics
Classification: Uncertain significance. Last evaluated: 2022-11-17. Review status: criteria provided, single submitter. Criteria: ACMG Guidelines, 2015. Collection method: clinical testing. Allele origin: germline.

OMIM
Classification: Pathogenic for BARDET-BIEDL SYNDROME 11 (1 family). Last evaluated: 2008-02-01. Review status: no assertion criteria provided. Collection method: literature only. Allele origin: germline. Not counted in ClinVar's aggregate classification.

Literature cited by the submitters: PubMed 16606853 (cited by 3 submitters); PubMed 20498079 (cited by Variantyx, Inc.); PubMed 17994549 (cited by OMIM).

NM_012210.4(TRIM32):c.388C>T (p.Pro130Ser)

Genes: ASTN2 (astrotactin 2; minus strand), TRIM32 (tripartite motif containing 32; plus strand). Cytogenetic location: 9q33.1.
Variant type: single nucleotide variant.
Coding change: c.388C>T on transcript NM_012210.4 (MANE Select); coding-DNA position 388, C replaced by T.
Protein change: p.Pro130Ser; replaces proline 130 with serine.
Molecular consequence: missense variant. On other transcripts: intron variant (3).
Genome position (GRCh38, 1-based): chr9:116,698,130, C>T. VCF-style: chr9-116698130-C-T. GRCh37 (hg19) VCF-style: chr9-119460409-C-T.
Other names: c.388C>T, p.Pro130Ser (NM_001099679.2, NM_001379048.1, NM_001379049.1 and 1 more transcripts); c.2653+27641G>A (NM_014010.5); c.2794+27641G>A (NM_001365069.1); c.2806+27641G>A (NM_001365068.1); short protein forms P130S.
Identifiers: ClinVar variation 7351 (VCV000007351.17), dbSNP rs111033571, ClinGen allele CA254151.